The following is an entry in ClinVar:

ClinVar aggregate classification (germline): Uncertain significance. Review status: criteria provided, multiple submitters, no conflicts (2 of 4 stars). 2 submissions from 2 submitters: Uncertain significance (2). Last evaluated 2025-07-01.

Conditions:
Maturity-onset diabetes of the young type 14. Also called: MODY 14. Identifiers: Orphanet 552, MedGen C4225299, MONDO:0014674, OMIM 616511.

Allele frequency attached by ClinVar (database versions not stated): TOPMed 0.00004; gnomAD 0.00001; gnomAD exomes 0.00001; ExAC 0.00003.

Submissions (2):

ARUP Laboratories, Molecular Genetics and Genomics, ARUP Laboratories
Classification: Uncertain significance for Maturity-onset diabetes of the young type 14. Last evaluated: 2025-07-01. Review status: criteria provided, single submitter. Criteria: ARUP Molecular Germline Variant Investigation Process 2024. Collection method: clinical testing. Allele origin: germline.
Comment: The APPL1 c.1694C>T; p.Thr565Met variant (rs756336083), to our knowledge, is not reported in the medical literature but is reported in ClinVar (Variation ID: 3128079). This variant is found in the East Asian population with an allele frequency of 0.03% (6/18822 alleles) in the Genome Aggregation Database (v2.1.1). Computational analyses predict that this variant is neutral (REVEL: 0.141). However, given the lack of clinical and functional data, the significance of this variant is uncertain at this time.

Ambry Genetics
Classification: Uncertain significance. Last evaluated: 2023-09-23. Review status: criteria provided, single submitter. Criteria: Ambry Variant Classification Scheme 2023. Collection method: clinical testing. Allele origin: germline.

NM_012096.3(APPL1):c.1694C>T (p.Thr565Met)

Gene: APPL1 (adaptor protein, phosphotyrosine interacting with PH domain and leucine zipper 1; plus strand). Cytogenetic location: 3p14.3.
Variant type: single nucleotide variant.
Coding change: c.1694C>T on transcript NM_012096.3 (MANE Select); coding-DNA position 1694, C replaced by T.
Protein change: p.Thr565Met; replaces threonine 565 with methionine.
Molecular consequence: missense variant.
Genome position (GRCh38, 1-based): chr3:57,260,152, C>T. VCF-style: chr3-57260152-C-T. GRCh37 (hg19) VCF-style: chr3-57294180-C-T.
Other names: short protein forms T565M.
Identifiers: ClinVar variation 3128079 (VCV003128079.2), dbSNP rs756336083, ClinGen allele CA2463901.